The following is an entry in ClinVar:

ClinVar aggregate classification (germline): Likely benign (1 of 4 stars; one submission).

Submission:

Women's Health and Genetics/Laboratory Corporation of America, LabCorp
Classification: Likely benign. Last evaluated: 2026-06-30. Review status: criteria provided, single submitter. Criteria: LabCorp Variant Classification Summary - May 2015. Collection method: clinical testing. Allele origin: germline.
Comment: Variant summary: ANK2 c.2079+11C>G alters a nucleotide located at a position not widely known to affect splicing. Consensus agreement among computation tools predict no significant impact on normal splicing. However, these predictions have yet to be confirmed by functional studies. The variant was absent in 250444 control chromosomes. The available data on variant occurrences in the general population are insufficient to allow any conclusion about variant significance. To our knowledge, no occurrence of c.2079+11C>G in individuals affected with ANK2-related conditions and no experimental evidence demonstrating its impact on protein function have been reported. No submitters have cited clinical-significance assessments for this variant to ClinVar. Based on the evidence outlined above, the variant was classified as likely benign.

NM_001148.6(ANK2):c.2079+11C>G

Gene: ANK2 (ankyrin 2; plus strand). Cytogenetic location: 4q26.
Variant type: single nucleotide variant.
Coding change: c.2079+11C>G on transcript NM_001148.6 (MANE Select); 11 bases into the intron after coding-DNA position 2079, C replaced by G.
Molecular consequence: intron variant.
Genome position (GRCh38, 1-based): chr4:113,282,883, C>G. VCF-style: chr4-113282883-C-G. GRCh37 (hg19) VCF-style: chr4-114204039-C-G.
Other names: c.2067+11C>G (NM_001386186.2, NM_001386148.2); c.1869+11C>G (NM_001354269.3); c.2043+11C>G (NM_001386187.2); c.2037+11C>G (NM_001386147.1, NM_001386160.1, NM_001354261.2); c.2016+11C>G (NM_001354254.2, NM_001354239.2, NM_001354252.2 and 10 more transcripts); c.1917+11C>G (NM_001354253.2, NM_001354270.2, NM_001354257.2 and 1 more transcripts); c.1992+11C>G (NM_001354249.2, NM_001354266.2, NM_001354276.2 and 10 more transcripts); c.1893+11C>G (NM_001386151.1, NM_001354260.2, NM_001354271.2); and 8 more.
Identifiers: ClinVar variation 4887708 (VCV004887708.1).